The following is an entry in ClinVar:

NM_019098.5(CNGB3):c.552C>A (p.Tyr184Ter)

Gene: CNGB3 (cyclic nucleotide gated channel subunit beta 3; minus strand). Cytogenetic location: 8q21.3.
Variant type: single nucleotide variant.
Coding change: c.552C>A on transcript NM_019098.5 (MANE Select); coding-DNA position 552, C replaced by A.
Protein change: p.Tyr184Ter; replaces tyrosine 184 with a stop codon.
Molecular consequence: nonsense.
Genome position (GRCh38, 1-based): chr8:86,668,110, G>T on the plus strand (C>A on the coding strand, the complement: CNGB3 is on the minus strand). VCF-style: chr8-86668110-G-T. GRCh37 (hg19) VCF-style: chr8-87680338-G-T.
Other names: short protein forms Y184*.
Identifiers: ClinVar variation 2077290 (VCV002077290.4), dbSNP rs1294340795, ClinGen allele CA371449890.

ClinVar aggregate classification (germline): Pathogenic (1 of 4 stars; one submission).

Submission:

Labcorp Genetics (formerly Invitae), Labcorp
Classification: Pathogenic. Last evaluated: 2024-02-24. Review status: criteria provided, single submitter. Criteria: Invitae Variant Classification Sherloc (09022015). Collection method: clinical testing. Allele origin: germline.
Comment: This sequence change creates a premature translational stop signal (p.Tyr184*) in the CNGB3 gene. It is expected to result in an absent or disrupted protein product. Loss-of-function variants in CNGB3 are known to be pathogenic (PMID: 28795510). This variant is not present in population databases (gnomAD no frequency). This variant has not been reported in the literature in individuals affected with CNGB3-related conditions. ClinVar contains an entry for this variant (Variation ID: 2077290). Algorithms developed to predict the effect of sequence changes on RNA splicing suggest that this variant may disrupt the consensus splice site. For these reasons, this variant has been classified as Pathogenic.

Literature cited by the submitters: PubMed 28795510.